The following is an entry in ClinVar:

NM_000439.5(PCSK1):c.481G>A (p.Val161Ile)

Genes: CAST (calpastatin; plus strand), PCSK1 (proprotein convertase subtilisin/kexin type 1; minus strand), LOC101929710 (uncharacterized LOC101929710; plus strand). Cytogenetic location: 5q15.
Variant type: single nucleotide variant.
Coding change: c.481G>A on transcript NM_000439.5 (MANE Select); coding-DNA position 481, G replaced by A.
Protein change: p.Val161Ile; replaces valine 161 with isoleucine.
Molecular consequence: missense variant. On other transcripts: intron variant (11).
Genome position (GRCh38, 1-based): chr5:96,423,375, C>T on the plus strand (G>A on the coding strand, the complement: PCSK1 is on the minus strand). VCF-style: chr5-96423375-C-T. GRCh37 (hg19) VCF-style: chr5-95759079-C-T.
Other names: c.340G>A, p.Val114Ile (NM_001177875.2); c.-175+43723C>T (NM_001423254.1, NM_001423259.1, NM_001423255.1 and 6 more transcripts); c.-103+43723C>T (NM_001423253.1); c.-40+43723C>T (NM_001423258.1); short protein forms V114I, V161I.
Identifiers: ClinVar variation 4996047 (VCV004996047.1).
Genomic context (GRCh38, chr5:96,423,375, plus strand): 5'-AGTTGGCATAAATGTCCGTGTGATTCCACTCCAAACCATCATCCAGTACGGTGATAACAA[C>T]TCCTTTGCCCGTAATGCCTTTTTGCCAAACAGGTATCACATGAAGGTCCAGCTTGGGCAG-3'
Protein context (NP_000430.3, residues 151-171): VWQKGITGKG[Val161Ile]VITVLDDGLE

ClinVar aggregate classification (germline): Uncertain significance (1 of 4 stars; one submission).

Conditions:
PCSK1-related disorder. Also called: PCSK1-related condition.

gnomAD v4.1: 2 of 1,614,026 alleles (0.00012%); highest among the groups gnomAD compares: South Asian, 0.0011%; no homozygotes.

Submission:

PreventionGenetics, part of Exact Sciences
Classification: Uncertain significance for PCSK1-related condition. Last evaluated: 2026-06-17. Review status: criteria provided, single submitter. Criteria: ACMG Guidelines, 2015. Collection method: clinical testing. Allele origin: germline.
Comment: The PCSK1 c.481G>A variant is predicted to result in the amino acid substitution p.Val161Ile. To our knowledge, this variant has not been reported in the literature. This variant is reported in 0.0033% of alleles in individuals of South Asian descent in gnomAD. At this time, the clinical significance of this variant is uncertain due to the absence of conclusive functional and genetic evidence.